The following is an entry in ClinVar:

ClinVar aggregate classification (germline): Uncertain significance (1 of 4 stars; one submission).

Submission:

Women's Health and Genetics/Laboratory Corporation of America, LabCorp
Classification: Uncertain significance. Last evaluated: 2024-03-01. Review status: criteria provided, single submitter. Criteria: LabCorp Variant Classification Summary - May 2015. Collection method: clinical testing. Allele origin: germline.
Comment: Variant summary: RYR2 c.2126G>C (p.Gly709Ala) results in a non-conservative amino acid change located in the B30.2/SPRY domain (IPR001870) of the encoded protein sequence. Four of five in-silico tools predict a damaging effect of the variant on protein function. The variant was absent in 249254 control chromosomes. The available data on variant occurrences in the general population are insufficient to allow any conclusion about variant significance. To our knowledge, no occurrence of c.2126G>C in individuals affected with Catecholaminergic Polymorphic Ventricular Tachycardia and no experimental evidence demonstrating its impact on protein function have been reported. No submitters have cited clinical-significance assessments for this variant to ClinVar. Based on the evidence outlined above, the variant was classified as uncertain significance.

NM_001035.3(RYR2):c.2126G>C (p.Gly709Ala)

Gene: RYR2 (ryanodine receptor 2; plus strand). Cytogenetic location: 1q43.
Variant type: single nucleotide variant.
Coding change: c.2126G>C on transcript NM_001035.3 (MANE Select); coding-DNA position 2126, G replaced by C.
Protein change: p.Gly709Ala; replaces glycine 709 with alanine.
Molecular consequence: missense variant.
Genome position (GRCh38, 1-based): chr1:237,496,675, G>C. VCF-style: chr1-237496675-G-C. GRCh37 (hg19) VCF-style: chr1-237659975-G-C.
Other names: short protein forms G709A.
Identifiers: ClinVar variation 3233688 (VCV003233688.2), dbSNP rs1664109062, ClinGen allele CA345392039.